The following is an entry in ClinVar:

NM_001903.5(CTNNA1):c.477T>C (p.Asp159=)

Gene: CTNNA1 (catenin alpha 1; plus strand). Cytogenetic location: 5q31.2.
Variant type: single nucleotide variant.
Coding change: c.477T>C on transcript NM_001903.5 (MANE Select); coding-DNA position 477, T replaced by C.
Protein change: p.Asp159=; no amino-acid change (aspartic acid 159 retained).
Molecular consequence: synonymous variant.
Genome position (GRCh38, 1-based): chr5:138,812,191, T>C. VCF-style: chr5-138812191-T-C. GRCh37 (hg19) VCF-style: chr5-138147880-T-C.
Other names: c.477T>C, p.Asp159= (NM_001290307.3, NM_001323982.2, NM_001323983.1 and 3 more transcripts); c.168T>C, p.Asp56= (NM_001290309.3); c.108T>C, p.Asp36= (NM_001290310.3).
Identifiers: ClinVar variation 1140931 (VCV001140931.10), dbSNP rs2149736503, ClinGen allele CA446591357.

ClinVar aggregate classification (germline): Benign/Likely benign. Review status: criteria provided, multiple submitters, no conflicts (2 of 4 stars). 2 submissions from 2 submitters: Benign (1); Likely benign (1). Last evaluated 2024-10-29.

Conditions:
Hereditary diffuse gastric adenocarcinoma (HDGC). Also called: DIFFUSE GASTRIC AND LOBULAR BREAST CANCER SYNDROME. Identifiers: Orphanet 26106, MedGen C1708349, MONDO:0007648, OMIM 137215.

Submissions (2):

Labcorp Genetics (formerly Invitae), Labcorp
Classification: Likely benign. Last evaluated: 2024-10-29. Review status: criteria provided, single submitter. Criteria: Invitae Variant Classification Sherloc (09022015). Collection method: clinical testing. Allele origin: germline.

Myriad Genetics, Inc.
Classification: Benign for Hereditary diffuse gastric adenocarcinoma. Last evaluated: 2024-10-10. Review status: criteria provided, single submitter. Criteria: Myriad Autosomal Dominant, Autosomal Recessive and X-Linked Classification Criteria (2023). Collection method: clinical testing. Allele origin: unknown.
Comment: This variant is considered benign. This variant is a silent/synonymous amino acid change and it is not expected to impact splicing.